The following is an entry in ClinVar:

NM_025114.4(CEP290):c.3660G>T (p.Lys1220Asn)

Gene: CEP290 (centrosomal protein 290; minus strand). Cytogenetic location: 12q21.32.
Variant type: single nucleotide variant.
Coding change: c.3660G>T on transcript NM_025114.4 (MANE Select); coding-DNA position 3660, G replaced by T.
Protein change: p.Lys1220Asn; replaces lysine 1220 with asparagine.
Molecular consequence: missense variant.
Genome position (GRCh38, 1-based): chr12:88,089,401, C>A on the plus strand (G>T on the coding strand, the complement: CEP290 is on the minus strand). VCF-style: chr12-88089401-C-A. GRCh37 (hg19) VCF-style: chr12-88483178-C-A.
Other names: short protein forms K1220N.
Identifiers: ClinVar variation 196713 (VCV000196713.22), dbSNP rs201982308, ClinGen allele CA243794.

ClinVar aggregate classification (germline): Uncertain significance. Review status: criteria provided, multiple submitters, no conflicts (2 of 4 stars). 9 submissions from 9 submitters: Uncertain significance (8). 1 of the submissions does not count toward it. Last evaluated 2026-06-21.

Conditions:
Inborn genetic diseases. Identifiers: MedGen C0950123, MeSH D030342.
CEP290-related disorder. Also called: CEP290-related condition; CEP290-related disorders. Identifiers: MedGen CN239314.
Joubert syndrome. Also called: Familial aplasia of the vermis; JOUBERT-BOLTSHAUSER SYNDROME. Identifiers: Orphanet 475, MedGen C5979921, MONDO:0018772.
Meckel-Gruber syndrome. Also called: GRUBER SYNDROME; Dysencephalia splachnocystica; DYSENCEPHALIA SPLANCHNOCYSTICA. Identifiers: Orphanet 564, MedGen C0265215, MONDO:0018921.
Nephronophthisis. Also called: Juvenile Nephronophthisis. Identifiers: Orphanet 655, MedGen C0687120, MONDO:0019005, HP:0000090.
Leber congenital amaurosis 10 (LCA10). Identifiers: Orphanet 65, MedGen C1857821, MONDO:0012723, OMIM 611755.
Meckel syndrome, type 4 (MKS4). Also called: MECKEL-GRUBER SYNDROME, TYPE 4. Identifiers: Orphanet 564, MedGen C1970161, MONDO:0012626, OMIM 611134.
Senior-Loken syndrome 6 (SLSN6). Identifiers: Orphanet 3156, MedGen C1857779, MONDO:0012433, OMIM 610189.
Bardet-Biedl syndrome 14 (BBS14). Identifiers: Orphanet 110, MedGen C2673874, MONDO:0014442, OMIM 615991.
Joubert syndrome 5 (JBTS5). Identifiers: Orphanet 2318, MedGen C1857780, MONDO:0012432, OMIM 610188.
Leber congenital amaurosis (LCA). Also called: Leber's amaurosis. Identifiers: Orphanet 65, MedGen C0339527, MeSH D057130, MONDO:0018998.

Allele frequency attached by ClinVar (database versions not stated): 1000 Genomes Project 30x 0.00031; ExAC 0.00031; 1000 Genomes Project 0.00020; gnomAD 0.00023 and 0.00024; TOPMed 0.00023; gnomAD exomes 0.00024 and 0.00047; ESP Exome Variant Server 0.00025.
gnomAD v4.1: 709 of 1,612,816 alleles (0.044%); highest among the groups gnomAD compares: Non-Finnish European, 0.058%; no homozygotes.

Submissions (9):

PreventionGenetics, part of Exact Sciences
Classification: Uncertain significance for CEP290-related condition. Last evaluated: 2026-06-21. Review status: criteria provided, single submitter. Criteria: ACMG Guidelines, 2015. Collection method: clinical testing. Allele origin: germline.
Comment: The CEP290 c.3660G>T variant is predicted to result in the amino acid substitution p.Lys1220Asn. To our knowledge, this variant has not been reported in the literature. This variant is reported in 0.047% of alleles in individuals of European (non-Finnish) descent in gnomAD and is classified as uncertain in ClinVar (Variation ID: 196713). At this time, the clinical significance of this variant is uncertain due to the absence of conclusive functional and genetic evidence.

GeneDx
Classification: Uncertain significance. Last evaluated: 2025-09-23. Review status: criteria provided, single submitter. Criteria: GeneDx Variant Classification Process June 2021. Collection method: clinical testing. Allele origin: germline. Affected: yes.
Comment: In silico analysis supports that this missense variant has a deleterious effect on protein structure/function; Has not been previously published as pathogenic or benign to our knowledge

Ambry Genetics
Classification: Uncertain significance for Inborn genetic diseases. Last evaluated: 2025-06-30. Review status: criteria provided, single submitter. Criteria: Ambry Variant Classification Scheme 2023. Collection method: clinical testing. Allele origin: germline.

Blueprint Genetics
Classification: Uncertain significance. Last evaluated: 2024-10-03. Review status: criteria provided, single submitter. Criteria: ACMG Guidelines, 2015. Collection method: clinical testing. Allele origin: germline.

Labcorp Genetics (formerly Invitae), Labcorp
Classification: Uncertain significance for Joubert syndrome; Meckel-Gruber syndrome; Nephronophthisis. Last evaluated: 2022-11-01. Review status: criteria provided, single submitter. Criteria: Invitae Variant Classification Sherloc (09022015). Collection method: clinical testing. Allele origin: germline.
Comment: This sequence change replaces lysine, which is basic and polar, with asparagine, which is neutral and polar, at codon 1220 of the CEP290 protein (p.Lys1220Asn). This variant is present in population databases (rs201982308, gnomAD 0.05%). This variant has not been reported in the literature in individuals affected with CEP290-related conditions. ClinVar contains an entry for this variant (Variation ID: 196713). Advanced modeling of protein sequence and biophysical properties (such as structural, functional, and spatial information, amino acid conservation, physicochemical variation, residue mobility, and thermodynamic stability) performed at Invitae indicates that this missense variant is expected to disrupt CEP290 protein function. Algorithms developed to predict the effect of sequence changes on RNA splicing suggest that this variant may disrupt the consensus splice site. In summary, the available evidence is currently insufficient to determine the role of this variant in disease. Therefore, it has been classified as a Variant of Uncertain Significance.

Provincial Medical Genetics Program of British Columbia, University of British Columbia
Classification: Uncertain significance for Bardet-Biedl syndrome 14. Last evaluated: 2022-01-01. Review status: criteria provided, single submitter. Criteria: ACMG Guidelines, 2015. Collection method: clinical testing. Allele origin: germline. Affected: yes.

Fulgent Genetics
Classification: Uncertain significance for Joubert syndrome 5; Senior-Loken syndrome 6; Meckel syndrome, type 4; Leber congenital amaurosis 10; Bardet-Biedl syndrome 14. Last evaluated: 2018-10-31. Review status: criteria provided, single submitter. Criteria: ACMG Guidelines, 2015. Collection method: clinical testing. Allele origin: unknown.

Eurofins Ntd Llc (ga)
Classification: Uncertain significance. Last evaluated: 2017-11-10. Review status: criteria provided, single submitter. Criteria: EGL Classification Definitions 2015. Collection method: clinical testing. Allele origin: germline. Observed: 2 variant alleles, 2 heterozygotes.

Natera, Inc.
Classification: Uncertain significance for Leber congenital amaurosis. Last evaluated: 2020-02-21. Review status: no assertion criteria provided. Collection method: clinical testing. Allele origin: germline. Not counted in ClinVar's aggregate classification.